The following is an entry in ClinVar:

ClinVar aggregate classification (germline): Uncertain significance (1 of 4 stars; one submission).

Conditions:
Autosomal recessive spinocerebellar ataxia 12. Also called: SPINOCEREBELLAR ATAXIA WITH MENTAL RETARDATION AND EPILEPSY. Identifiers: Orphanet 284282, MedGen C3280452, MONDO:0013687, OMIM 614322.
Developmental and epileptic encephalopathy, 1 (DEE1). Also called: X-Linked Infantile Spasm Syndrome; X-linked infantile spasms; West's syndrome; Tonic spasms with clustering, arrest of psychomotor development and hypsarrhythmia on EEG; Epileptic encephalopathy, early infantile, 1; INFANTILE SPASM SYNDROME, X-LINKED 1. Identifiers: MedGen C3463992, MONDO:0010632, OMIM 308350. Disease mechanism: loss of function.

Allele frequency attached by ClinVar (database versions not stated): gnomAD exomes below 0.00001; gnomAD 0.00001; TOPMed 0.00001.
gnomAD v4.1: 4 of 1,614,076 alleles (0.00025%); highest among the groups gnomAD compares: South Asian, 0.0011%; no homozygotes.

Submission:

Labcorp Genetics (formerly Invitae), Labcorp
Classification: Uncertain significance for Developmental and epileptic encephalopathy, 1; Autosomal recessive spinocerebellar ataxia 12. Last evaluated: 2021-10-07. Review status: criteria provided, single submitter. Criteria: Invitae Variant Classification Sherloc (09022015). Collection method: clinical testing. Allele origin: germline.
Comment: This sequence change replaces glutamic acid with glycine at codon 402 of the WWOX protein (p.Glu402Gly). The glutamic acid residue is weakly conserved and there is a moderate physicochemical difference between glutamic acid and glycine. This variant is not present in population databases (ExAC no frequency). This variant has not been reported in the literature in individuals affected with WWOX-related conditions. Algorithms developed to predict the effect of missense changes on protein structure and function are either unavailable or do not agree on the potential impact of this missense change (SIFT: "Not Available"; PolyPhen-2: "Probably Damaging"; Align-GVGD: "Not Available"). In summary, the available evidence is currently insufficient to determine the role of this variant in disease. Therefore, it has been classified as a Variant of Uncertain Significance.

NM_016373.4(WWOX):c.1205A>G (p.Glu402Gly)

Genes: MAF (MAF bZIP transcription factor; minus strand), WWOX (WW domain containing oxidoreductase; plus strand). Cytogenetic location: 16q23.2.
Variant type: single nucleotide variant.
Coding change: c.1205A>G on transcript NM_016373.4 (MANE Select); coding-DNA position 1205, A replaced by G.
Protein change: p.Glu402Gly; replaces glutamic acid 402 with glycine.
Molecular consequence: missense variant.
Genome position (GRCh38, 1-based): chr16:79,211,756, A>G. VCF-style: chr16-79211756-A-G. GRCh37 (hg19) VCF-style: chr16-79245653-A-G.
Other names: c.866A>G, p.Glu289Gly (NM_001291997.2); short protein forms E402G, E289G.
Identifiers: ClinVar variation 1347485 (VCV001347485.3), dbSNP rs2051763292, ClinGen allele CA396537279.